The following is an entry in ClinVar:

ClinVar aggregate classification (germline): Conflicting classifications of pathogenicity. Review status: criteria provided, conflicting classifications (1 of 4 stars). 3 submissions from 3 submitters: Uncertain significance (2); Likely benign (1). Last evaluated 2026-06-13.

Conditions:
PKD1-related disorder. Also called: PKD1-related condition.
Inborn genetic diseases. Identifiers: MedGen C0950123, MeSH D030342.

Allele frequency attached by ClinVar (database versions not stated): ESP Exome Variant Server 0.00008; gnomAD 0.00008; gnomAD exomes 0.00011; TOPMed 0.00011.
gnomAD v4.1: 169 of 1,612,516 alleles (0.01%); highest among the groups gnomAD compares: Non-Finnish European, 0.013%; no homozygotes.

Submissions (3):

PreventionGenetics, part of Exact Sciences
Classification: Uncertain significance for PKD1-related condition. Last evaluated: 2026-06-13. Review status: criteria provided, single submitter. Criteria: ACMG Guidelines, 2015. Collection method: clinical testing. Allele origin: germline.
Comment: The PKD1 c.4858G>A variant is predicted to result in the amino acid substitution p.Ala1620Thr. To our knowledge, this variant has not been reported in the literature. This variant is reported in 0.011% of alleles in individuals of European (Non-Finnish) descent in gnomAD. At this time, the clinical significance of this variant is uncertain due to the absence of conclusive functional and genetic evidence.

CeGaT Center for Human Genetics Tuebingen
Classification: Likely benign. Last evaluated: 2025-01-01. Review status: criteria provided, single submitter. Criteria: CeGaT Center For Human Genetics Tuebingen Variant Classification Criteria Version 2. Collection method: clinical testing. Allele origin: germline. Affected: yes. Observed: 1 variant allele.
Comment: PKD1: BP4

Ambry Genetics
Classification: Uncertain significance for Inborn genetic diseases. Last evaluated: 2021-12-03. Review status: criteria provided, single submitter. Criteria: Ambry Variant Classification Scheme 2023. Collection method: clinical testing. Allele origin: germline.

NM_001009944.3(PKD1):c.4858G>A (p.Ala1620Thr)

Gene: PKD1 (polycystin 1, transient receptor potential channel interacting; minus strand). Cytogenetic location: 16p13.3.
Variant type: single nucleotide variant.
Coding change: c.4858G>A on transcript NM_001009944.3 (MANE Select); coding-DNA position 4858, G replaced by A.
Protein change: p.Ala1620Thr; replaces alanine 1620 with threonine.
Molecular consequence: missense variant.
Genome position (GRCh38, 1-based): chr16:2,110,309, C>T on the plus strand (G>A on the coding strand, the complement: PKD1 is on the minus strand). VCF-style: chr16-2110309-C-T. GRCh37 (hg19) VCF-style: chr16-2160310-C-T.
Other names: c.4858G>A, p.Ala1620Thr (NM_000296.4); short protein forms A1620T.
Identifiers: ClinVar variation 3213480 (VCV003213480.15), dbSNP rs376572189, ClinGen allele CA7832213.